The following is an entry in ClinVar:

ClinVar aggregate classification (germline): Uncertain significance (1 of 4 stars; one submission).

Conditions:
Hereditary cancer-predisposing syndrome. Also called: Tumor predisposition; Neoplastic Syndromes, Hereditary; Hereditary Cancer Syndrome; Hereditary neoplastic syndrome. Identifiers: Orphanet 140162, MedGen C0027672, MeSH D009386, MONDO:0015356.

Submission:

Ambry Genetics
Classification: Uncertain significance for Hereditary cancer-predisposing syndrome. Last evaluated: 2024-09-16. Review status: criteria provided, single submitter. Criteria: Ambry Variant Classification Scheme 2023. Collection method: clinical testing. Allele origin: germline.
Comment: The p.G29R variant (also known as c.85G>C), located in coding exon 1 of the CDK4 gene, results from a G to C substitution at nucleotide position 85. The glycine at codon 29 is replaced by arginine, an amino acid with dissimilar properties. This amino acid position is conserved. In addition, this alteration is predicted to be deleterious by in silico analysis. Based on the available evidence, the clinical significance of this variant remains unclear.

NM_000075.4(CDK4):c.85G>C (p.Gly29Arg)

Gene: CDK4 (cyclin dependent kinase 4; minus strand). Cytogenetic location: 12q14.1.
Variant type: single nucleotide variant.
Coding change: c.85G>C on transcript NM_000075.4 (MANE Select); coding-DNA position 85, G replaced by C.
Protein change: p.Gly29Arg; replaces glycine 29 with arginine.
Molecular consequence: missense variant.
Genome position (GRCh38, 1-based): chr12:57,751,633, C>G on the plus strand (G>C on the coding strand, the complement: CDK4 is on the minus strand). VCF-style: chr12-57751633-C-G. GRCh37 (hg19) VCF-style: chr12-58145416-C-G.
Other names: short protein forms G29R.
Identifiers: ClinVar variation 3489501 (VCV003489501.1).
Genomic context (GRCh38, chr12:57,751,633, plus strand): 5'-GGCCTCCTCCACCTCCTCCTCCATTGGGGACTCTCACACTCTTGAGGGCCACAAAGTGGC[C>G]ACTGTGGGGATCACGGGCCTTGTACACTGTCCCATAGGCACCGACACCAATTTCAGCCAC-3'
Protein context (NP_000066.1, residues 19-39): TVYKARDPHS[Gly29Arg]HFVALKSVRV